The following is an entry in ClinVar:

NM_001183.6(ATP6AP1):c.247G>A (p.Glu83Lys)

Gene: ATP6AP1 (ATPase H+ transporting accessory protein 1; plus strand). Cytogenetic location: Xq28.
Variant type: single nucleotide variant.
Coding change: c.247G>A on transcript NM_001183.6 (MANE Select); coding-DNA position 247, G replaced by A.
Protein change: p.Glu83Lys; replaces glutamic acid 83 with lysine.
Molecular consequence: missense variant.
Genome position (GRCh38, 1-based): chrX:154,429,133, G>A. VCF-style: chrX-154429133-G-A. GRCh37 (hg19) VCF-style: chrX-153657479-G-A.
Other names: short protein forms E83K.
Identifiers: ClinVar variation 1491358 (VCV001491358.8), dbSNP rs1231716998, ClinGen allele CA415187979.

ClinVar aggregate classification (germline): Uncertain significance (1 of 4 stars; one submission).

Allele frequency attached by ClinVar (database versions not stated): gnomAD 0.00001; gnomAD exomes 0.00001; TOPMed 0.00001.
gnomAD v4.1: 8 of 1,209,973 alleles (0.00066%); highest among the groups gnomAD compares: Non-Finnish European, 0.00089%; no homozygotes.

Submission:

Labcorp Genetics (formerly Invitae), Labcorp
Classification: Uncertain significance. Last evaluated: 2023-06-07. Review status: criteria provided, single submitter. Criteria: Invitae Variant Classification Sherloc (09022015). Collection method: clinical testing. Allele origin: germline.
Comment: This variant has not been reported in the literature in individuals affected with ATP6AP1-related conditions. This variant is present in population databases (no rsID available, gnomAD 0.001%). This sequence change replaces glutamic acid, which is acidic and polar, with lysine, which is basic and polar, at codon 83 of the ATP6AP1 protein (p.Glu83Lys). ClinVar contains an entry for this variant (Variation ID: 1491358). In summary, the available evidence is currently insufficient to determine the role of this variant in disease. Therefore, it has been classified as a Variant of Uncertain Significance. Advanced modeling of protein sequence and biophysical properties (such as structural, functional, and spatial information, amino acid conservation, physicochemical variation, residue mobility, and thermodynamic stability) performed at Invitae indicates that this missense variant is not expected to disrupt ATP6AP1 protein function.